The following is an entry in ClinVar:

ClinVar aggregate classification (germline): Likely benign. Review status: criteria provided, multiple submitters, no conflicts (2 of 4 stars). 3 submissions from 3 submitters: Likely benign (3). Last evaluated 2025-12-23.

Conditions:
ARID1B-Related Disorder. Identifiers: MedGen CN381337.

Allele frequency attached by ClinVar (database versions not stated): gnomAD 0.00002; ExAC 0.00003; gnomAD exomes 0.00003; TOPMed 0.00004.
gnomAD v4.1: 42 of 1,614,062 alleles (0.0026%); highest among the groups gnomAD compares: Non-Finnish European, 0.0036%; no homozygotes.

Submissions (3):

PreventionGenetics, part of Exact Sciences
Classification: Likely benign for ARID1B-related condition. Last evaluated: 2025-12-23. Review status: criteria provided, single submitter. Criteria: ACMG Guidelines, 2015. Collection method: clinical testing. Allele origin: germline.
Comment: This variant is classified as likely benign based on ACMG/AMP sequence variant interpretation guidelines (Richards et al. 2015 PMID: 25741868, with internal and published modifications).

Labcorp Genetics (formerly Invitae), Labcorp
Classification: Likely benign. Last evaluated: 2025-06-29. Review status: criteria provided, single submitter. Criteria: Invitae Variant Classification Sherloc (09022015). Collection method: clinical testing. Allele origin: germline.

CeGaT Center for Human Genetics Tuebingen
Classification: Likely benign. Last evaluated: 2025-05-01. Review status: criteria provided, single submitter. Criteria: CeGaT Center For Human Genetics Tuebingen Variant Classification Criteria Version 2. Collection method: clinical testing. Allele origin: germline. Affected: yes. Observed: 1 variant allele.
Comment: ARID1B: BP4, BP7

NM_001374828.1(ARID1B):c.5646A>G (p.Glu1882=)

Gene: ARID1B (AT-rich interaction domain 1B; plus strand). Cytogenetic location: 6q25.3.
Variant type: single nucleotide variant.
Coding change: c.5646A>G on transcript NM_001374828.1 (MANE Select); coding-DNA position 5646, A replaced by G.
Protein change: p.Glu1882=; no amino-acid change (glutamic acid 1882 retained).
Molecular consequence: synonymous variant.
Genome position (GRCh38, 1-based): chr6:157,206,418, A>G. VCF-style: chr6-157206418-A-G. GRCh37 (hg19) VCF-style: chr6-157527552-A-G.
Other names: c.5397A>G, p.Glu1799= (NM_001346813.1); c.3147A>G, p.Glu1049= (NM_001363725.2); c.5526A>G, p.Glu1842= (NM_001371656.1, NM_001374820.1); c.5487A>G, p.Glu1829= (NM_017519.3); c.5277A>G, p.Glu1759= (NM_020732.3); c.5064A>G, p.Glu1688= (NM_175863.2).
Identifiers: ClinVar variation 2049379 (VCV002049379.15), dbSNP rs754248704, ClinGen allele CA4067876.